The following is an entry in ClinVar:

ClinVar aggregate classification (germline): Uncertain significance (1 of 4 stars; one submission).

Allele frequency attached by ClinVar (database versions not stated): gnomAD exomes below 0.00001.
gnomAD v4.1: 6 of 1,428,164 alleles (0.00042%); highest among the groups gnomAD compares: Non-Finnish European, 0.00059%; no homozygotes.

Submission:

Labcorp Genetics (formerly Invitae), Labcorp
Classification: Uncertain significance. Last evaluated: 2022-09-18. Review status: criteria provided, single submitter. Criteria: Invitae Variant Classification Sherloc (09022015). Collection method: clinical testing. Allele origin: germline.
Comment: In summary, the available evidence is currently insufficient to determine the role of this variant in disease. Therefore, it has been classified as a Variant of Uncertain Significance. Variants that disrupt the consensus splice site are a relatively common cause of aberrant splicing (PMID: 17576681, 9536098). Algorithms developed to predict the effect of sequence changes on RNA splicing suggest that this variant is not likely to affect RNA splicing. This variant has not been reported in the literature in individuals affected with KIF2A-related conditions. This variant is not present in population databases (gnomAD no frequency). This sequence change falls in intron 17 of the KIF2A gene. It does not directly change the encoded amino acid sequence of the KIF2A protein. It affects a nucleotide within the consensus splice site.

Literature cited by the submitters: PubMed 17576681; PubMed 9536098.

NM_001098511.3(KIF2A):c.1760+6C>T

Gene: KIF2A (kinesin family member 2A; plus strand). Cytogenetic location: 5q12.1.
Variant type: single nucleotide variant.
Coding change: c.1760+6C>T on transcript NM_001098511.3 (MANE Select); 6 bases into the intron after coding-DNA position 1760, C replaced by T.
Molecular consequence: intron variant.
Genome position (GRCh38, 1-based): chr5:62,372,557, C>T. VCF-style: chr5-62372557-C-T. GRCh37 (hg19) VCF-style: chr5-61668384-C-T.
Other names: c.1566-1130C>T (NM_001243952.2); c.1647-1130C>T (NM_004520.5); c.1590-1130C>T (NM_001243953.2).
Identifiers: ClinVar variation 2023484 (VCV002023484.4), dbSNP rs2531378517, ClinGen allele CA2580073367.